The following is an entry in ClinVar:

NM_001009994.3(RIPPLY2):c.95+2T>G

Genes: RIPPLY2 (ripply transcriptional repressor 2; plus strand), RIPPLY2-CYB5R4 (RIPPLY2-CYB5R4 readthrough; plus strand). Cytogenetic location: 6q14.2.
Variant type: single nucleotide variant.
Coding change: c.95+2T>G on transcript NM_001009994.3 (MANE Select); the canonical splice donor site of the intron after coding-DNA position 95, T replaced by G.
Molecular consequence: splice donor variant.
Genome position (GRCh38, 1-based): chr6:83,853,513, T>G. VCF-style: chr6-83853513-T-G. GRCh37 (hg19) VCF-style: chr6-84563232-T-G.
Other names: c.95+2T>G (NM_001400900.1).
Identifiers: ClinVar variation 1405483 (VCV001405483.5), dbSNP rs950221688, ClinGen allele CA142674436.

ClinVar aggregate classification (germline): Uncertain significance (1 of 4 stars; one submission).

Allele frequency attached by ClinVar (database versions not stated): gnomAD 0.00001; TOPMed 0.00001; gnomAD exomes 0.00002.
gnomAD v4.1: 11 of 1,537,930 alleles (0.00072%); highest among the groups gnomAD compares: Middle Eastern, 0.022%; no homozygotes.

Submission:

Labcorp Genetics (formerly Invitae), Labcorp
Classification: Uncertain significance. Last evaluated: 2025-08-18. Review status: criteria provided, single submitter. Criteria: Invitae Variant Classification Sherloc (09022015). Collection method: clinical testing. Allele origin: germline.
Comment: This sequence change affects a donor splice site in intron 1 of the RIPPLY2 gene. It is expected to disrupt RNA splicing. Variants that disrupt the donor or acceptor splice site typically lead to a loss of protein function (PMID: 16199547), however the current clinical and genetic evidence is not sufficient to establish whether loss-of-function variants in RIPPLY2 cause disease. This variant is present in population databases (no rsID available, gnomAD 0.004%). This variant has not been reported in the literature in individuals affected with RIPPLY2-related conditions. ClinVar contains an entry for this variant (Variation ID: 1405483). Algorithms developed to predict the effect of sequence changes on RNA splicing suggest that this variant may disrupt the consensus splice site. In summary, the available evidence is currently insufficient to determine the role of this variant in disease. Therefore, it has been classified as a Variant of Uncertain Significance.

Literature cited by the submitters: PubMed 16199547.